The following is an entry in ClinVar:

ClinVar aggregate classification (germline): Pathogenic/Likely pathogenic. Review status: criteria provided, multiple submitters, no conflicts (2 of 4 stars). 2 submissions from 2 submitters: Pathogenic (1); Likely pathogenic (1). Last evaluated 2021-12-10.

Conditions:
Multiple endocrine neoplasia, type 1 (MEN1). Also called: Endocrine adenomatosis multiple; MEN 1; MEA I; MEN I; WERMER SYNDROME. Identifiers: Orphanet 652, MedGen C0025267, MeSH D018761, MONDO:0007540, OMIM 131100.
Hereditary cancer-predisposing syndrome. Also called: Hereditary Cancer Syndrome; Hereditary neoplastic syndrome; Tumor predisposition; Neoplastic Syndromes, Hereditary. Identifiers: Orphanet 140162, MedGen C0027672, MeSH D009386, MONDO:0015356.

Submissions (2):

Sema4
Classification: Likely pathogenic for Hereditary cancer-predisposing syndrome. Last evaluated: 2021-12-10. Review status: criteria provided, single submitter. Criteria: Sema4 Curation Guidelines. Collection method: curation. Allele origin: germline.
Comment: To the best of our knowledge, the MEN1 c.1266del (p.Lys422Asnfs*23) variant has not been reported in individuals with MEN1-related disease. As this variant is not predicted to cause nonsense-mediated decay, the protein product is expected to be truncated. This variant is not reported in the population database Genome Aggregation Database (PMID: 32461654). This variant has not been reported in ClinVar. Based on the current evidence available, this variant is interpreted as likely pathogenic.

Labcorp Genetics (formerly Invitae), Labcorp
Classification: Pathogenic for Multiple endocrine neoplasia, type 1. Last evaluated: 2021-07-09. Review status: criteria provided, single submitter. Criteria: Invitae Variant Classification Sherloc (09022015). Collection method: clinical testing. Allele origin: germline.
Comment: For these reasons, this variant has been classified as Pathogenic. This variant disrupts a region of the MEN1 protein in which other variant(s) (p.Lys559Glufs*38) have been determined to be pathogenic (PMID: 10090472, 15331604, 16449969; Invitae). This suggests that this is a clinically significant region of the protein, and that variants that disrupt it are likely to be disease-causing. This variant is also known as c.1374delA. This premature translational stop signal has been observed in individual(s) with clinical features of MEN1-related conditions (PMID: 9683585). This variant is not present in population databases (ExAC no frequency). This sequence change creates a premature translational stop signal (p.Lys422Asnfs*23) in the MEN1 gene. While this is not anticipated to result in nonsense mediated decay, it is expected to disrupt the last 189 amino acid(s) of the MEN1 protein.

Literature cited by the submitters: PubMed 10090472 (cited by Labcorp Genetics (formerly Invitae), Labcorp); PubMed 15331604 (cited by Labcorp Genetics (formerly Invitae), Labcorp); PubMed 16449969 (cited by Labcorp Genetics (formerly Invitae), Labcorp); PubMed 9683585 (cited by Labcorp Genetics (formerly Invitae), Labcorp).

NM_001370259.2(MEN1):c.1266del (p.Lys422fs)

Gene: MEN1 (menin 1; minus strand). Cytogenetic location: 11q13.1.
Variant type: Deletion.
Coding change: c.1266del on transcript NM_001370259.2 (MANE Select); coding-DNA position 1266, one base deleted (A; older notation c.1266delA).
Protein change: p.Lys422fs; shifts the reading frame from lysine 422.
Molecular consequence: frameshift variant.
Genome position (GRCh38, 1-based): chr11:64,805,118, T deleted on the plus strand (A on the coding strand, the reverse complement: MEN1 is on the minus strand); the first of 3 consecutive T bases (chr11:64,805,118-64,805,120); deleting any one gives the same sequence. VCF-style (leftmost placement, unchanged base first): chr11-64805117-AT-A. GRCh37 (hg19) VCF-style: chr11-64572589-AT-A.
Other names: c.1281del, p.Lys427fs (NM_000244.4, NM_130800.3, NM_130801.3 and 3 more transcripts); c.1392del, p.Lys464fs (NM_001370251.2); c.1266del, p.Lys422fs (NM_001370260.2, NM_001370261.2, NM_130799.3); c.1161del, p.Lys387fs (NM_001370262.2, NM_001370263.2); short protein forms K427fs, K387fs, K422fs, K464fs.
Identifiers: ClinVar variation 1457882 (VCV001457882.8), dbSNP rs2136101566, ClinGen allele CA2573147443.
Genomic context (GRCh38, chr11:64,805,117, plus strand): 5'-ACTGCACAAGAAAGGTGGCCCAGCCCACATGCAGCACAGGCGTGGGACTGCCCTCCTCCC[AT>A]TTGCAGATGCCGTCGTAGAATCGCAGCAGGTGGGCGAAGCACTCAGGGTCCTGGAGGGCG-3'